The following is an entry in ClinVar:

ClinVar aggregate classification (germline): Benign (1 of 4 stars; one submission).

Conditions:
Sessile serrated polyposis cancer syndrome (SSPCS). Identifiers: Orphanet 157798, MedGen C4310714, MONDO:0014919, OMIM 617108.

Submission:

Myriad Genetics, Inc.
Classification: Benign for Sessile serrated polyposis cancer syndrome. Last evaluated: 2026-07-02. Review status: criteria provided, single submitter. Criteria: Myriad Autosomal Dominant, Autosomal Recessive and X-Linked Classification Criteria (2023). Collection method: clinical testing. Allele origin: unknown.
Comment: This variant is considered benign. This variant is a silent/synonymous amino acid change and it is not expected to impact splicing.

NM_017763.6(RNF43):c.1581C>A (p.Thr527=)

Gene: RNF43 (ring finger protein 43; minus strand). Cytogenetic location: 17q22.
Variant type: single nucleotide variant.
Coding change: c.1581C>A on transcript NM_017763.6 (MANE Select); coding-DNA position 1581, C replaced by A.
Protein change: p.Thr527=; no amino-acid change (threonine 527 retained).
Molecular consequence: synonymous variant.
Genome position (GRCh38, 1-based): chr17:58,358,195, G>T on the plus strand (C>A on the coding strand, the complement: RNF43 is on the minus strand). VCF-style: chr17-58358195-G-T. GRCh37 (hg19) VCF-style: chr17-56435556-G-T.
Other names: c.1581C>A, p.Thr527= (NM_001305544.3, NM_001438820.1, NM_001438821.1 and 1 more transcripts); c.1200C>A, p.Thr400= (NM_001305545.2, NM_001437987.1).
Identifiers: ClinVar variation 5042456 (VCV005042456.1).